The following is an entry in ClinVar:

ClinVar aggregate classification (germline): Uncertain significance (1 of 4 stars; one submission).

Submission:

Labcorp Genetics (formerly Invitae), Labcorp
Classification: Uncertain significance. Last evaluated: 2025-06-03. Review status: criteria provided, single submitter. Criteria: Invitae Variant Classification Sherloc (09022015). Collection method: clinical testing. Allele origin: germline.
Comment: This sequence change replaces glutamine, which is neutral and polar, with histidine, which is basic and polar, at codon 186 of the NFE2L2 protein (p.Gln186His). This variant is not present in population databases (gnomAD no frequency). This variant has not been reported in the literature in individuals affected with NFE2L2-related conditions. Invitae Evidence Modeling of protein sequence and biophysical properties (such as structural, functional, and spatial information, amino acid conservation, physicochemical variation, residue mobility, and thermodynamic stability) indicates that this missense variant is expected to disrupt NFE2L2 protein function with a positive predictive value of 80%. In summary, the available evidence is currently insufficient to determine the role of this variant in disease. Therefore, it has been classified as a Variant of Uncertain Significance.

NM_006164.5(NFE2L2):c.558A>C (p.Gln186His)

Gene: NFE2L2 (NFE2 like bZIP transcription factor 2; minus strand). Cytogenetic location: 2q31.2.
Variant type: single nucleotide variant.
Coding change: c.558A>C on transcript NM_006164.5 (MANE Select); coding-DNA position 558, A replaced by C.
Protein change: p.Gln186His; replaces glutamine 186 with histidine.
Molecular consequence: missense variant.
Genome position (GRCh38, 1-based): chr2:177,232,428, T>G on the plus strand (A>C on the coding strand, the complement: NFE2L2 is on the minus strand). VCF-style: chr2-177232428-T-G. GRCh37 (hg19) VCF-style: chr2-178097156-T-G.
Other names: c.510A>C, p.Gln170His (NM_001145412.3, NM_001313900.1, NM_001313901.1); c.489A>C, p.Gln163His (NM_001145413.3); c.468A>C, p.Gln156His (NM_001313902.2); c.339A>C, p.Gln113His (NM_001313903.2); c.258A>C, p.Gln86His (NM_001313904.1); short protein forms Q113H, Q170H, Q186H, Q163H, Q86H, Q156H.
Identifiers: ClinVar variation 4738024 (VCV004738024.1).